The following is an entry in ClinVar:

ClinVar aggregate classification (germline): Likely benign. Review status: criteria provided, multiple submitters, no conflicts (2 of 4 stars). 3 submissions from 3 submitters: Likely benign (3). Last evaluated 2026-01-22.

Conditions:
NYX-related disorder. Also called: NYX-related condition.

Allele frequency attached by ClinVar (database versions not stated): TOPMed 0.00005; gnomAD 0.00003.
gnomAD v4.1: 14 of 1,055,250 alleles (0.0013%); highest among the groups gnomAD compares: African/African-American, 0.016%; no homozygotes.

Submissions (3):

PreventionGenetics, part of Exact Sciences
Classification: Likely benign for NYX-related condition. Last evaluated: 2026-01-22. Review status: criteria provided, single submitter. Criteria: ACMG Guidelines, 2015. Collection method: clinical testing. Allele origin: germline.
Comment: This variant is classified as likely benign based on ACMG/AMP sequence variant interpretation guidelines (Richards et al. 2015 PMID: 25741868, with internal and published modifications).

Labcorp Genetics (formerly Invitae), Labcorp
Classification: Likely benign. Last evaluated: 2025-11-11. Review status: criteria provided, single submitter. Criteria: Invitae Variant Classification Sherloc (09022015). Collection method: clinical testing. Allele origin: germline.

Blueprint Genetics
Classification: Likely benign. Last evaluated: 2019-10-24. Review status: criteria provided, single submitter. Criteria: ACMG Guidelines, 2015. Collection method: clinical testing. Allele origin: germline.

NM_001378477.3(NYX):c.573G>A (p.Ala191=)

Gene: NYX (nyctalopin; plus strand). Cytogenetic location: Xp11.4.
Variant type: single nucleotide variant.
Coding change: c.573G>A on transcript NM_001378477.3 (MANE Select); coding-DNA position 573, G replaced by A.
Protein change: p.Ala191=; no amino-acid change (alanine 191 retained).
Molecular consequence: synonymous variant.
Genome position (GRCh38, 1-based): chrX:41,474,041, G>A. VCF-style: chrX-41474041-G-A. GRCh37 (hg19) VCF-style: chrX-41333294-G-A.
Other names: c.588G>A (NM_022567.2); c.573G>A, p.Ala191= (NM_022567.3).
Identifiers: ClinVar variation 1128676 (VCV001128676.12), dbSNP rs971336293, ClinGen allele CA329217051.